The following is an entry in ClinVar:

NM_144498.4(OSBPL2):c.1026C>T (p.Asp342=)

Gene: OSBPL2 (oxysterol binding protein like 2; plus strand). Cytogenetic location: 20q13.33.
Variant type: single nucleotide variant.
Coding change: c.1026C>T on transcript NM_144498.4 (MANE Select); coding-DNA position 1026, C replaced by T.
Protein change: p.Asp342=; no amino-acid change (aspartic acid 342 retained).
Molecular consequence: synonymous variant.
Genome position (GRCh38, 1-based): chr20:62,286,612, C>T. VCF-style: chr20-62286612-C-T. GRCh37 (hg19) VCF-style: chr20-60861668-C-T.
Other names: c.750C>T, p.Asp250= (NM_001278649.3, NM_001363878.2); c.990C>T, p.Asp330= (NM_014835.5); c.1026C>T (NM_144498.1).
Identifiers: ClinVar variation 1678834 (VCV001678834.7), dbSNP rs140864045, ClinGen allele CA9938680.

ClinVar aggregate classification (germline): Likely benign. Review status: criteria provided, multiple submitters, no conflicts (2 of 4 stars). 4 submissions from 4 submitters: Likely benign (4). Last evaluated 2026-06-29.

Conditions:
Inborn genetic diseases. Identifiers: MedGen C0950123, MeSH D030342.

Allele frequency attached by ClinVar (database versions not stated): gnomAD 0.00013 and 0.00014; 1000 Genomes Project 0.00020; ESP Exome Variant Server 0.00023; gnomAD exomes 0.00005; ExAC 0.00004; 1000 Genomes Project 30x 0.00016.
gnomAD v4.1: 50 of 1,613,628 alleles (0.0031%); highest among the groups gnomAD compares: African/African-American, 0.055%; no homozygotes.

Submissions (4):

Women's Health and Genetics/Laboratory Corporation of America, LabCorp
Classification: Likely benign. Last evaluated: 2026-06-29. Review status: criteria provided, single submitter. Criteria: LabCorp Variant Classification Summary - May 2015. Collection method: clinical testing. Allele origin: germline.

Ambry Genetics
Classification: Likely benign for Inborn genetic diseases. Last evaluated: 2024-09-01. Review status: criteria provided, single submitter. Criteria: Ambry Variant Classification Scheme 2023. Collection method: clinical testing. Allele origin: germline.

Labcorp Genetics (formerly Invitae), Labcorp
Classification: Likely benign. Last evaluated: 2024-01-11. Review status: criteria provided, single submitter. Criteria: Invitae Variant Classification Sherloc (09022015). Collection method: clinical testing. Allele origin: germline.

GeneDx
Classification: Likely benign. Last evaluated: 2020-02-06. Review status: criteria provided, single submitter. Criteria: GeneDx Variant Classification Process June 2021. Collection method: clinical testing. Allele origin: germline. Affected: yes.
Comment: See Variant Classification Assertion Criteria.